The following is an entry in ClinVar:

NM_033026.6(PCLO):c.8509A>G (p.Arg2837Gly)

Gene: PCLO (piccolo presynaptic cytomatrix protein; minus strand). Cytogenetic location: 7q21.11.
Variant type: single nucleotide variant.
Coding change: c.8509A>G on transcript NM_033026.6 (MANE Select); coding-DNA position 8509, A replaced by G.
Protein change: p.Arg2837Gly; replaces arginine 2837 with glycine.
Molecular consequence: missense variant.
Genome position (GRCh38, 1-based): chr7:82,952,444, T>C on the plus strand (A>G on the coding strand, the complement: PCLO is on the minus strand). VCF-style: chr7-82952444-T-C. GRCh37 (hg19) VCF-style: chr7-82581760-T-C.
Other names: c.8509A>G, p.Arg2837Gly (NM_014510.3); short protein forms R2837G.
Identifiers: ClinVar variation 2100485 (VCV002100485.4), dbSNP rs1241804814, ClinGen allele CA367910999.

ClinVar aggregate classification (germline): Uncertain significance (1 of 4 stars; one submission).

Allele frequency attached by ClinVar (database versions not stated): gnomAD 0.00001; gnomAD exomes 0.00001.
gnomAD v4.1: 14 of 1,613,828 alleles (0.00087%); highest among the groups gnomAD compares: East Asian, 0.029%; no homozygotes.

Submission:

Labcorp Genetics (formerly Invitae), Labcorp
Classification: Uncertain significance. Last evaluated: 2022-04-23. Review status: criteria provided, single submitter. Criteria: Invitae Variant Classification Sherloc (09022015). Collection method: clinical testing. Allele origin: germline.
Comment: This sequence change replaces arginine, which is basic and polar, with glycine, which is neutral and non-polar, at codon 2837 of the PCLO protein (p.Arg2837Gly). This variant is present in population databases (no rsID available, gnomAD 0.1%). This variant has not been reported in the literature in individuals affected with PCLO-related conditions. Algorithms developed to predict the effect of missense changes on protein structure and function are either unavailable or do not agree on the potential impact of this missense change (SIFT: "Deleterious"; PolyPhen-2: "Not Available"; Align-GVGD: "Class C0"). In summary, the available evidence is currently insufficient to determine the role of this variant in disease. Therefore, it has been classified as a Variant of Uncertain Significance.